The following is an entry in ClinVar:

ClinVar aggregate classification (germline): Uncertain significance (1 of 4 stars; one submission).

Submission:

GeneDx
Classification: Uncertain significance. Last evaluated: 2024-05-31. Review status: criteria provided, single submitter. Criteria: GeneDx Variant Classification Process June 2021. Collection method: clinical testing. Allele origin: germline. Affected: yes.
Comment: Not observed at significant frequency in large population cohorts (gnomAD); Has not been previously published as pathogenic or benign to our knowledge; Canonical splice site variant in a gene for which loss-of-function is not an established mechanism of disease

NM_004055.5(CAPN5):c.507-1G>C

Gene: CAPN5 (calpain 5; plus strand). Cytogenetic location: 11q13.5.
Variant type: single nucleotide variant.
Coding change: c.507-1G>C on transcript NM_004055.5 (MANE Select); the canonical splice acceptor site of the intron before coding-DNA position 507, G replaced by C.
Molecular consequence: splice acceptor variant.
Genome position (GRCh38, 1-based): chr11:77,114,241, G>C. VCF-style: chr11-77114241-G-C. GRCh37 (hg19) VCF-style: chr11-76825287-G-C.
Other names: c.507-1G>C (NM_001425322.1); c.627-1G>C (NM_001425321.1); c.375-1G>C (NM_001425323.1).
Identifiers: ClinVar variation 3383813 (VCV003383813.1).
Genomic context (GRCh38, chr11:77,114,241, plus strand): 5'-GTAAAGGATGCAGCCTGGCTGGGGAGCATGAGCTGGGAAGTCTTTCCACATTGCTTCCCA[G>C]ACTGGCAGGCTGTTACCAGGCCCTGGATGGAGGCAACACAGCAGACGCACTGGTGGACTT-3'